The following is an entry in ClinVar:

ClinVar aggregate classification (germline): Uncertain significance. Review status: criteria provided, multiple submitters, no conflicts (2 of 4 stars). 3 submissions from 3 submitters: Uncertain significance (2). 1 of the submissions does not count toward it. Last evaluated 2022-03-20.

Conditions:
Congenital adrenal hyperplasia due to cytochrome P450 oxidoreductase deficiency. Also called: DISORDERED STEROIDOGENESIS DUE TO POR DEFICIENCY. Identifiers: Orphanet 95699, MedGen C1860042, MONDO:0013310, OMIM 613571.
POR-related disorder. Also called: POR-related condition.

Allele frequency attached by ClinVar (database versions not stated): gnomAD exomes 0.00003; TOPMed 0.00003; ExAC 0.00009.
gnomAD v4.1: 70 of 1,551,006 alleles (0.0045%); highest among the groups gnomAD compares: Non-Finnish European, 0.0059%; no homozygotes.

Submissions (3):

Labcorp Genetics (formerly Invitae), Labcorp
Classification: Uncertain significance for Congenital adrenal hyperplasia due to cytochrome P450 oxidoreductase deficiency. Last evaluated: 2022-03-20. Review status: criteria provided, single submitter. Criteria: Invitae Variant Classification Sherloc (09022015). Collection method: clinical testing. Allele origin: germline.
Comment: This sequence change falls in intron 13 of the POR gene. It does not directly change the encoded amino acid sequence of the POR protein. It affects a nucleotide within the consensus splice site. This variant is present in population databases (rs782407937, gnomAD 0.009%). This variant has not been reported in the literature in individuals affected with POR-related conditions. ClinVar contains an entry for this variant (Variation ID: 910468). Variants that disrupt the consensus splice site are a relatively common cause of aberrant splicing (PMID: 17576681, 9536098). Algorithms developed to predict the effect of sequence changes on RNA splicing suggest that this variant may disrupt the consensus splice site. In summary, the available evidence is currently insufficient to determine the role of this variant in disease. Therefore, it has been classified as a Variant of Uncertain Significance.

Illumina Laboratory Services, Illumina
Classification: Uncertain significance for Congenital adrenal hyperplasia due to cytochrome P450 oxidoreductase deficiency. Last evaluated: 2018-01-13. Review status: criteria provided, single submitter. Criteria: ICSL Variant Classification Criteria 13 December 2019. Collection method: clinical testing. Allele origin: germline.

PreventionGenetics, part of Exact Sciences
Classification: Uncertain significance for POR-related condition. Last evaluated: 2023-12-04. Review status: no assertion criteria provided. Collection method: clinical testing. Allele origin: germline. Not counted in ClinVar's aggregate classification.
Comment: The POR c.1669+5G>C variant is predicted to interfere with splicing. To our knowledge, this variant has not been reported in the literature. This variant is reported in 0.0068% of alleles in individuals of European (Non-Finnish) descent in gnomAD. At this time, the clinical significance of this variant is uncertain due to the absence of conclusive functional and genetic evidence.

Literature cited by the submitters: PubMed 17576681 (cited by Labcorp Genetics (formerly Invitae), Labcorp); PubMed 9536098 (cited by Labcorp Genetics (formerly Invitae), Labcorp).

NM_001395413.1(POR):c.1660+5G>C

Gene: POR (cytochrome p450 oxidoreductase; plus strand). Cytogenetic location: 7q11.23.
Variant type: single nucleotide variant.
Coding change: c.1660+5G>C on transcript NM_001395413.1 (MANE Select); 5 bases into the intron after coding-DNA position 1660, G replaced by C.
Molecular consequence: intron variant.
Genome position (GRCh38, 1-based): chr7:75,985,854, G>C. VCF-style: chr7-75985854-G-C. GRCh37 (hg19) VCF-style: chr7-75615172-G-C.
Other names: c.1510+5G>C (NM_001382662.3); c.1660+5G>C (NM_001382659.3, NM_001367562.3, NM_001382658.3 and 1 more transcripts); c.1714+5G>C (NM_001382655.3).
Identifiers: ClinVar variation 910468 (VCV000910468.8), dbSNP rs782407937, ClinGen allele CA4304218.